The following is an entry in ClinVar:

NM_000038.6(APC):c.3954T>G (p.Asp1318Glu)

Gene: APC (APC regulator of Wnt signaling pathway; plus strand). Cytogenetic location: 5q22.2.
Variant type: single nucleotide variant.
Coding change: c.3954T>G on transcript NM_000038.6 (MANE Select); coding-DNA position 3954, T replaced by G.
Protein change: p.Asp1318Glu; replaces aspartic acid 1318 with glutamic acid.
Molecular consequence: missense variant.
Genome position (GRCh38, 1-based): chr5:112,839,548, T>G. VCF-style: chr5-112839548-T-G. GRCh37 (hg19) VCF-style: chr5-112175245-T-G.
Other names: c.3954T>G, p.Asp1318Glu (NM_001127510.3, NM_001354895.2); c.3900T>G, p.Asp1300Glu (NM_001127511.3); c.4008T>G, p.Asp1336Glu (NM_001354896.2); c.3984T>G, p.Asp1328Glu (NM_001354897.2); c.3879T>G, p.Asp1293Glu (NM_001354898.2); c.3870T>G, p.Asp1290Glu (NM_001354899.2); c.3831T>G, p.Asp1277Glu (NM_001354900.2); c.3777T>G, p.Asp1259Glu (NM_001354901.2); and 5 more; short protein forms D1290E, D1227E, D1259E, D1318E, D1035E, D1158E, D1277E, D1300E.
Identifiers: ClinVar variation 1421715 (VCV001421715.8), dbSNP rs1580642151, ClinGen allele CA16030006.

ClinVar aggregate classification (germline): Uncertain significance (1 of 4 stars; one submission).

Conditions:
Familial adenomatous polyposis 1 (FAP1). Also called: POLYPOSIS, ADENOMATOUS INTESTINAL; FAMILIAL ADENOMATOUS POLYPOSIS 1, ATTENUATED. Identifiers: MedGen C2713442, MONDO:0021056, OMIM 175100. Disease mechanism: loss of function.

Submission:

Labcorp Genetics (formerly Invitae), Labcorp
Classification: Uncertain significance for Familial adenomatous polyposis 1. Last evaluated: 2021-06-12. Review status: criteria provided, single submitter. Criteria: Invitae Variant Classification Sherloc (09022015). Collection method: clinical testing. Allele origin: germline.
Comment: In summary, the available evidence is currently insufficient to determine the role of this variant in disease. Therefore, it has been classified as a Variant of Uncertain Significance. Algorithms developed to predict the effect of missense changes on protein structure and function output the following: SIFT: "Tolerated"; PolyPhen-2: "Benign"; Align-GVGD: "Class C0". The glutamic acid amino acid residue is found in multiple mammalian species, suggesting that this missense change does not adversely affect protein function. These predictions have not been confirmed by published functional studies and their clinical significance is uncertain. This variant has not been reported in the literature in individuals with APC-related conditions. This variant is not present in population databases (ExAC no frequency). This sequence change replaces aspartic acid with glutamic acid at codon 1318 of the APC protein (p.Asp1318Glu). The aspartic acid residue is moderately conserved and there is a small physicochemical difference between aspartic acid and glutamic acid.